The following is an entry in ClinVar:

NM_001009944.3(PKD1):c.4358C>T (p.Ala1453Val)

Gene: PKD1 (polycystin 1, transient receptor potential channel interacting; minus strand). Cytogenetic location: 16p13.3.
Variant type: single nucleotide variant.
Coding change: c.4358C>T on transcript NM_001009944.3 (MANE Select); coding-DNA position 4358, C replaced by T.
Protein change: p.Ala1453Val; replaces alanine 1453 with valine.
Molecular consequence: missense variant.
Genome position (GRCh38, 1-based): chr16:2,110,809, G>A on the plus strand (C>T on the coding strand, the complement: PKD1 is on the minus strand). VCF-style: chr16-2110809-G-A. GRCh37 (hg19) VCF-style: chr16-2160810-G-A.
Other names: c.4358C>T, p.Ala1453Val (NM_000296.4); short protein forms A1453V.
Identifiers: ClinVar variation 4983910 (VCV004983910.1).

ClinVar aggregate classification (germline): Uncertain significance (1 of 4 stars; one submission).

Conditions:
PKD1-related disorder. Also called: PKD1-related condition.

gnomAD v4.1: 44 of 1,611,428 alleles (0.0027%); highest among the groups gnomAD compares: Non-Finnish European, 0.0036%; no homozygotes.

Submission:

PreventionGenetics, part of Exact Sciences
Classification: Uncertain significance for PKD1-related condition. Last evaluated: 2026-05-25. Review status: criteria provided, single submitter. Criteria: ACMG Guidelines, 2015. Collection method: clinical testing. Allele origin: germline.
Comment: The PKD1 c.4358C>T variant is predicted to result in the amino acid substitution p.Ala1453Val. To our knowledge, this variant has not been reported in the literature. This variant is reported in 0.00089% of alleles in individuals of European (Non-Finnish) descent in gnomAD. The p.Ala1453 residue is weakly conserved. The REVEL (rare exome variant ensemble learner) program predicts this variant is benign at a "moderate" level (Ioannidis et al. 2016. PubMed ID: 27666373; Bergquist et al. 2024. PubMed ID: 39345488). At this time, the clinical significance of this variant is uncertain due to the absence of conclusive functional and genetic evidence.